The following is an entry in ClinVar:

NM_001199753.2(CPT1C):c.1730G>A (p.Arg577Gln)

Gene: CPT1C (carnitine palmitoyltransferase 1C; plus strand). Cytogenetic location: 19q13.33.
Variant type: single nucleotide variant.
Coding change: c.1730G>A on transcript NM_001199753.2 (MANE Select); coding-DNA position 1730, G replaced by A.
Protein change: p.Arg577Gln; replaces arginine 577 with glutamine.
Molecular consequence: missense variant. On other transcripts: non-coding transcript variant (1).
Genome position (GRCh38, 1-based): chr19:49,710,483, G>A. VCF-style: chr19-49710483-G-A. GRCh37 (hg19) VCF-style: chr19-50213740-G-A.
Other names: c.1730G>A, p.Arg577Gln (NM_152359.3, NM_001199752.3, NM_001378483.1 and 3 more transcripts); c.1697G>A, p.Arg566Gln (NM_001136052.3, NM_001378485.1, NM_001378487.1); c.1796G>A, p.Arg599Gln (NM_001378482.1); short protein forms R566Q, R577Q, R599Q.
Identifiers: ClinVar variation 3675811 (VCV003675811.2).
Genomic context (GRCh38, chr19:49,710,483, plus strand): 5'-GACGCTGCCACCTCTCTTCAGACAGCTTCATCCAGATCGCCTTGCAACTGGCCCACTTCC[G>A]GGTCAGTTGGGTTCCCCATCCACAGCCCCCGCAGGGTCTCAGTCCACCTGAGCCCCCAAG-3'
Protein context (NP_001186682.1, residues 567-587): IQIALQLAHF[Arg577Gln]DRGQFCLTYE

ClinVar aggregate classification (germline): Uncertain significance (1 of 4 stars; one submission).

Conditions:
Hereditary spastic paraplegia 73. Also called: Spastic paraplegia 73, autosomal dominant. Identifiers: Orphanet 444099, MedGen C5568981, MONDO:0014568, OMIM 616282.

gnomAD v4.1: 2 of 1,613,956 alleles (0.00012%); highest among the groups gnomAD compares: Admixed American, 0.0017%; no homozygotes.

Submission:

Labcorp Genetics (formerly Invitae), Labcorp
Classification: Uncertain significance for Hereditary spastic paraplegia 73. Last evaluated: 2024-05-08. Review status: criteria provided, single submitter. Criteria: Invitae Variant Classification Sherloc (09022015). Collection method: clinical testing. Allele origin: germline.
Comment: This sequence change replaces arginine, which is basic and polar, with glutamine, which is neutral and polar, at codon 566 of the CPT1C protein (p.Arg566Gln). This variant is not present in population databases (gnomAD no frequency). This variant has not been reported in the literature in individuals affected with CPT1C-related conditions. An algorithm developed to predict the effect of missense changes on protein structure and function (PolyPhen-2) suggests that this variant is likely to be tolerated. In summary, the available evidence is currently insufficient to determine the role of this variant in disease. Therefore, it has been classified as a Variant of Uncertain Significance.